The following is an entry in ClinVar:

NM_006885.4(ZFHX3):c.2788C>T (p.Leu930=)

Gene: ZFHX3 (zinc finger homeobox 3; minus strand). Cytogenetic location: 16q22.3.
Variant type: single nucleotide variant.
Coding change: c.2788C>T on transcript NM_006885.4 (MANE Select); coding-DNA position 2788, C replaced by T.
Protein change: p.Leu930=; no amino-acid change (leucine 930 retained).
Molecular consequence: synonymous variant.
Genome position (GRCh38, 1-based): chr16:72,950,897, G>A on the plus strand (C>T on the coding strand, the complement: ZFHX3 is on the minus strand). VCF-style: chr16-72950897-G-A. GRCh37 (hg19) VCF-style: chr16-72984796-G-A.
Other names: c.46C>T, p.Leu16= (NM_001164766.2); c.2788C>T, p.Leu930= (NM_001386735.1).
Identifiers: ClinVar variation 4931211 (VCV004931211.2).

ClinVar aggregate classification (germline): Likely benign. Review status: criteria provided, multiple submitters, no conflicts (2 of 4 stars). 2 submissions from 2 submitters: Likely benign (2). Last evaluated 2026-09-01.

gnomAD v4.1: 593 of 1,613,946 alleles (0.037%); highest among the groups gnomAD compares: Non-Finnish European, 0.048%; no homozygotes.

Submissions (2):

CeGaT Center for Human Genetics Tuebingen
Classification: Likely benign. Last evaluated: 2026-09-01. Review status: criteria provided, single submitter. Criteria: CeGaT Center For Human Genetics Tuebingen Variant Classification Criteria Version 2. Collection method: clinical testing. Allele origin: germline. Affected: yes. Observed: 1 variant allele.
Comment: ZFHX3: BP4, BP7

Blueprint Genetics
Classification: Likely benign. Last evaluated: 2024-10-21. Review status: criteria provided, single submitter. Criteria: ACMG Guidelines, 2015. Collection method: clinical testing. Allele origin: germline.